The following is an entry in ClinVar:

ClinVar aggregate classification (germline): Uncertain significance. Review status: criteria provided, single submitter (1 of 4 stars). 2 submissions from 2 submitters: Uncertain significance (1). 1 of the submissions does not count toward it. Last evaluated 2025-12-02.

Conditions:
Cystic fibrosis (CF). Also called: MUCOVISCIDOSIS. Identifiers: Orphanet 586, MedGen C0010674, MONDO:0009061, OMIM 219700. Disease mechanism: loss of function.

Submissions (2):

Ambry Genetics
Classification: Uncertain significance for Cystic fibrosis. Last evaluated: 2025-12-02. Review status: criteria provided, single submitter. Criteria: Ambry Variant Classification Scheme 2023. Collection method: clinical testing. Allele origin: germline.
Comment: The p.Y1307C variant (also known as c.3920A>G), located in coding exon 24 of the CFTR gene, results from an A to G substitution at nucleotide position 3920. The tyrosine at codon 1307 is replaced by cysteine, an amino acid with highly dissimilar properties. This amino acid position is well conserved in available vertebrate species. In addition, this alteration is predicted to be deleterious by in silico analysis. Based on the available evidence, the clinical significance of this variant remains unclear.

ClinVar Staff, National Center for Biotechnology Information (NCBI)
No classification provided. Condition: CFTR-related disorders. Review status: no classification provided. Collection method: literature only. Allele origin: germline. Affected: yes. Not counted in ClinVar's aggregate classification.

Literature cited by the submitters: PubMed 18456578 (cited by ClinVar Staff, National Center for Biotechnology Information (NCBI)).

NM_000492.4(CFTR):c.3920A>G (p.Tyr1307Cys)

Gene: CFTR (CF transmembrane conductance regulator; plus strand). Cytogenetic location: 7q31.2.
Variant type: single nucleotide variant.
Coding change: c.3920A>G on transcript NM_000492.4 (MANE Select); coding-DNA position 3920, A replaced by G.
Protein change: p.Tyr1307Cys; replaces tyrosine 1307 with cysteine.
Molecular consequence: missense variant.
Genome position (GRCh38, 1-based): chr7:117,652,888, A>G. VCF-style: chr7-117652888-A-G. GRCh37 (hg19) VCF-style: chr7-117292942-A-G.
Other names: short protein forms Y1307C.
Identifiers: ClinVar variation 53852 (VCV000053852.2), dbSNP rs397508641, ClinGen allele CA327345.